The following is an entry in ClinVar:

NM_025179.4(PLXNA2):c.3133C>T (p.Arg1045Cys)

Gene: PLXNA2 (plexin A2; minus strand). Cytogenetic location: 1q32.2.
Variant type: single nucleotide variant.
Coding change: c.3133C>T on transcript NM_025179.4 (MANE Select); coding-DNA position 3133, C replaced by T.
Protein change: p.Arg1045Cys; replaces arginine 1045 with cysteine.
Molecular consequence: missense variant.
Genome position (GRCh38, 1-based): chr1:208,051,284, G>A on the plus strand (C>T on the coding strand, the complement: PLXNA2 is on the minus strand). VCF-style: chr1-208051284-G-A. GRCh37 (hg19) VCF-style: chr1-208224629-G-A.
Other names: short protein forms R1045C.
Identifiers: ClinVar variation 4986880 (VCV004986880.1).

ClinVar aggregate classification (germline): Uncertain significance (1 of 4 stars; one submission).

Conditions:
PLXNA2-related disorder. Also called: PLXNA2-related condition.

gnomAD v4.1: 21 of 1,611,654 alleles (0.0013%); highest among the groups gnomAD compares: East Asian, 0.0022%; no homozygotes.

Submission:

PreventionGenetics, part of Exact Sciences
Classification: Uncertain significance for PLXNA2-related condition. Last evaluated: 2025-08-13. Review status: criteria provided, single submitter. Criteria: ACMG Guidelines, 2015. Collection method: clinical testing. Allele origin: germline.
Comment: The PLXNA2 c.3133C>T variant is predicted to result in the amino acid substitution p.Arg1045Cys. To our knowledge, this variant has not been reported in the literature. This variant is reported in 0.00088% of alleles in individuals of European (Non-Finnish) descent in gnomAD. At this time, the clinical significance of this variant is uncertain due to the absence of conclusive functional and genetic evidence.